The following is an entry in ClinVar:

ClinVar aggregate classification (germline): Likely benign (1 of 4 stars; one submission).

Allele frequency attached by ClinVar (database versions not stated): 1000 Genomes Project 30x 0.00328; 1000 Genomes Project 0.00339; ExAC 0.00512; ESP Exome Variant Server 0.00539; gnomAD 0.00555; TOPMed 0.00562; gnomAD exomes 0.00697.
gnomAD v4.1: 11,071 of 1,612,594 alleles (0.69%); highest among the groups gnomAD compares: Middle Eastern, 0.91%; 55 homozygotes.

Submission:

CeGaT Center for Human Genetics Tuebingen
Classification: Likely benign. Last evaluated: 2022-11-01. Review status: criteria provided, single submitter. Criteria: CeGaT Center For Human Genetics Tuebingen Variant Classification Criteria Version 2. Collection method: clinical testing. Allele origin: germline. Affected: yes. Observed: 2 variant alleles.
Comment: SCNN1D: BP4, BS2

NM_001130413.4(SCNN1D):c.1823G>A (p.Arg608Gln)

Genes: SCNN1D (sodium channel epithelial 1 subunit delta; plus strand), LOC110599576 (CEB15 minisatellite repeat instability region; plus strand). Cytogenetic location: 1p36.33.
Variant type: single nucleotide variant.
Coding change: c.1823G>A on transcript NM_001130413.4 (MANE Select); coding-DNA position 1823, G replaced by A.
Protein change: p.Arg608Gln; replaces arginine 608 with glutamine.
Molecular consequence: missense variant. On other transcripts: non-coding transcript variant (1).
Genome position (GRCh38, 1-based): chr1:1,290,519, G>A. VCF-style: chr1-1290519-G-A. GRCh37 (hg19) VCF-style: chr1-1225899-G-A.
Other names: short protein forms R608Q.
Identifiers: ClinVar variation 2637997 (VCV002637997.24), dbSNP rs79943571, ClinGen allele CA514993.